The following is an entry in ClinVar:

NM_000388.4(CASR):c.440C>T (p.Ser147Leu)

Gene: CASR (calcium sensing receptor; plus strand). Cytogenetic location: 3q21.1.
Variant type: single nucleotide variant.
Coding change: c.440C>T on transcript NM_000388.4 (MANE Select); coding-DNA position 440, C replaced by T.
Protein change: p.Ser147Leu; replaces serine 147 with leucine.
Molecular consequence: missense variant.
Genome position (GRCh38, 1-based): chr3:122,257,335, C>T. VCF-style: chr3-122257335-C-T. GRCh37 (hg19) VCF-style: chr3-121976182-C-T.
Other names: c.440C>T, p.Ser147Leu (NM_001178065.2); short protein forms S147L.
Identifiers: ClinVar variation 2575421 (VCV002575421.3), dbSNP rs2107627809, ClinGen allele CA354362903.

ClinVar aggregate classification (germline): Likely pathogenic. Review status: criteria provided, multiple submitters, no conflicts (2 of 4 stars). 2 submissions from 2 submitters: Likely pathogenic (2). Last evaluated 2025-12-01.

Conditions:
Familial hyperparathyroidism or Hypocalciuric hypercalcaemia.

Submissions (2):

Cambridge Genomics Laboratory, East Genomic Laboratory Hub, NHS Genomic Medicine Service
Classification: Likely pathogenic for Familial hyperparathyroidism or Hypocalciuric hypercalcaemia. Last evaluated: 2025-12-01. Review status: criteria provided, single submitter. Criteria: ACGS Best Practice Guidelines for Variant Classification in Rare Disease 2020. Collection method: clinical testing. Allele origin: germline. Affected: yes.
Comment: PS4_Supporting,PM1_Supporting,PM2,PP2,PP3

Center for Genomic Medicine, Rigshospitalet, Copenhagen University Hospital
Classification: Likely pathogenic. Last evaluated: 2025-03-04. Review status: criteria provided, single submitter. Criteria: ACMG Guidelines, 2015. Collection method: clinical testing. Allele origin: germline.

Literature cited by the submitters: PubMed 33062349 (cited by Center for Genomic Medicine, Rigshospitalet, Copenhagen University Hospital).